The following is an entry in ClinVar:

NM_000465.4(BARD1):c.1288A>G (p.Thr430Ala)

Gene: BARD1 (BRCA1 associated RING domain 1; minus strand). Cytogenetic location: 2q35.
Variant type: single nucleotide variant.
Coding change: c.1288A>G on transcript NM_000465.4 (MANE Select); coding-DNA position 1288, A replaced by G.
Protein change: p.Thr430Ala; replaces threonine 430 with alanine.
Molecular consequence: missense variant. On other transcripts: non-coding transcript variant (2), intron variant (3).
Genome position (GRCh38, 1-based): chr2:214,780,586, T>C on the plus strand (A>G on the coding strand, the complement: BARD1 is on the minus strand). VCF-style: chr2-214780586-T-C. GRCh37 (hg19) VCF-style: chr2-215645310-T-C.
Other names: c.1231A>G, p.Thr411Ala (NM_001282543.2); c.159-28031A>G (NM_001282548.2); c.215+16475A>G (NM_001282545.2); c.364+11711A>G (NM_001282549.2); c.1288A>G (NM_000465.2); short protein forms T411A, T430A.
Identifiers: ClinVar variation 801885 (VCV000801885.11), dbSNP rs1574815970, ClinGen allele CA350453364.

ClinVar aggregate classification (germline): Uncertain significance. Review status: criteria provided, multiple submitters, no conflicts (2 of 4 stars). 3 submissions from 3 submitters: Uncertain significance (3). Last evaluated 2024-05-17.

Conditions:
Hereditary cancer-predisposing syndrome. Also called: Tumor predisposition; Neoplastic Syndromes, Hereditary; Hereditary Cancer Syndrome; Hereditary neoplastic syndrome. Identifiers: Orphanet 140162, MedGen C0027672, MeSH D009386, MONDO:0015356.
Familial cancer of breast. Also called: hereditary breast carcinoma; BREAST CANCER, FAMILIAL; Hereditary breast cancer. Identifiers: Orphanet 227535, MedGen C0346153, MONDO:0016419, OMIM 114480. Disease mechanism: loss of function.

Submissions (3):

Ambry Genetics
Classification: Uncertain significance for Hereditary cancer-predisposing syndrome. Last evaluated: 2024-05-17. Review status: criteria provided, single submitter. Criteria: Ambry Variant Classification Scheme 2023. Collection method: clinical testing. Allele origin: germline.
Comment: The p.T430A variant (also known as c.1288A>G), located in coding exon 4 of the BARD1 gene, results from an A to G substitution at nucleotide position 1288. The threonine at codon 430 is replaced by alanine, an amino acid with similar properties. This amino acid position is conserved. In addition, this alteration is predicted to be deleterious by in silico analysis. Based on the available evidence, the clinical significance of this variant remains unclear.

Labcorp Genetics (formerly Invitae), Labcorp
Classification: Uncertain significance for Familial cancer of breast. Last evaluated: 2020-08-01. Review status: criteria provided, single submitter. Criteria: Invitae Variant Classification Sherloc (09022015). Collection method: clinical testing. Allele origin: germline.
Comment: This variant is not present in population databases (ExAC no frequency). This sequence change replaces threonine with alanine at codon 430 of the BARD1 protein (p.Thr430Ala). The threonine residue is highly conserved and there is a small physicochemical difference between threonine and alanine. This variant has not been reported in the literature in individuals with BARD1-related conditions. ClinVar contains an entry for this variant (Variation ID: 801885). Algorithms developed to predict the effect of missense changes on protein structure and function (SIFT, PolyPhen-2, Align-GVGD) all suggest that this variant is likely to be disruptive, but these predictions have not been confirmed by published functional studies and their clinical significance is uncertain. In summary, the available evidence is currently insufficient to determine the role of this variant in disease. Therefore, it has been classified as a Variant of Uncertain Significance.

Mendelics
Classification: Uncertain significance for Familial cancer of breast. Last evaluated: 2019-05-28. Review status: criteria provided, single submitter. Criteria: Mendelics Assertion Criteria 2017. Collection method: clinical testing. Allele origin: unknown.